The following is an entry in ClinVar:

NM_001134793.2(HYLS1):c.-25-3199C>T

Genes: HYLS1 (HYLS1 centriolar and ciliogenesis associated; plus strand), PUS3 (pseudouridine synthase 3; minus strand). Cytogenetic location: 11q24.2.
Variant type: single nucleotide variant.
Coding change: c.-25-3199C>T on transcript NM_001134793.2 (MANE Select); 3199 bases into the intron before 25 bases upstream of the start codon, C replaced by T.
Molecular consequence: intron variant. On other transcripts: missense variant (1).
Genome position (GRCh38, 1-based): chr11:125,896,145, C>T. VCF-style: chr11-125896145-C-T. GRCh37 (hg19) VCF-style: chr11-125766040-C-T.
Other names: c.140G>A, p.Gly47Glu (NM_031307.4); c.-80-2959C>T (NM_145014.3); c.-22-3202C>T (NM_001424364.1, NM_001377270.1); c.-25-3199C>T (NM_001377269.1); c.-246-356G>A (NM_001271985.2); short protein forms G47E.
Identifiers: ClinVar variation 3365506 (VCV003365506.1).
Genomic context (GRCh38, chr11:125,896,145, plus strand): 5'-AGGGCTACGTGTCTTCGGCCATGAGCACTGAAATCAAATGCACGCTTAGTTTTTCCAGCT[C>T]CTGCTGAATTTTCTCTAATGTTTGAGTCCTCCTTATTTTTGGCCTGTTCCTTTTTAAGTC-3'

ClinVar aggregate classification (germline): Uncertain significance (1 of 4 stars; one submission).

gnomAD v4.1: 4 of 1,614,172 alleles (0.00025%); highest among the groups gnomAD compares: East Asian, 0.0022%; no homozygotes.

Submission:

GeneDx
Classification: Uncertain significance. Last evaluated: 2023-12-14. Review status: criteria provided, single submitter. Criteria: GeneDx Variant Classification Process June 2021. Collection method: clinical testing. Allele origin: germline. Affected: yes.
Comment: In silico analysis supports that this variant does not alter splicing; Has not been previously published as pathogenic or benign to our knowledge